The following is an entry in ClinVar:

NM_001042492.3(NF1):c.7496del (p.Gly2499fs)

Gene: NF1 (neurofibromin 1; plus strand). Cytogenetic location: 17q11.2.
Variant type: Deletion.
Coding change: c.7496del on transcript NM_001042492.3 (MANE Select); coding-DNA position 7496, one base deleted (G; older notation c.7496delG).
Protein change: p.Gly2499fs; shifts the reading frame from glycine 2499.
Molecular consequence: frameshift variant.
Genome position (GRCh38, 1-based): chr17:31,352,295, G deleted; the last of 2 consecutive G bases (chr17:31,352,294-31,352,295); deleting either gives the same sequence. VCF-style (leftmost placement, unchanged base first): chr17-31352293-AG-A. GRCh37 (hg19) VCF-style: chr17-29679311-AG-A.
Other names: c.7433delG (NM_000267.3); c.7433delG, p.Gly2478Valfs (NM_000267.4); short protein forms G2478fs, G2499fs.
Identifiers: ClinVar variation 480793 (VCV000480793.11), dbSNP rs1555536352, ClinGen allele CA658658604.
Genomic context (GRCh38, chr17:31,352,293, plus strand): 5'-TTCTCTATTGTTTTCATCTTTCAGGACACTAAAGGAGACTCAGCCATGGTCCTCTCCCAA[AG>A]GTTCTGAAGGATACCTTGCAGCCACCTATCCAACTGTCGGCCAGACCAGTCCCCGAGCCA-3'

ClinVar aggregate classification (germline): Pathogenic. Review status: criteria provided, multiple submitters, no conflicts (2 of 4 stars). 3 submissions from 3 submitters: Pathogenic (3). Last evaluated 2022-03-15.

Conditions:
Cardiovascular phenotype. Identifiers: MedGen CN230736.
Hereditary cancer-predisposing syndrome. Also called: Hereditary neoplastic syndrome; Neoplastic Syndromes, Hereditary; Tumor predisposition; Hereditary Cancer Syndrome. Identifiers: Orphanet 140162, MedGen C0027672, MeSH D009386, MONDO:0015356.
Neurofibromatosis, type 1 (NF1). Also called: VON RECKLINGHAUSEN DISEASE; Peripheral type neurofibromatosis; NEUROFIBROMATOSIS, TYPE I, SOMATIC; Neurofibromatosis, type I. Identifiers: Orphanet 636, MedGen C0027831, MONDO:0018975, OMIM 162200. Disease mechanism: loss of function.

Submissions (3):

Genome-Nilou Lab
Classification: Pathogenic for Neurofibromatosis, type 1. Last evaluated: 2022-03-15. Review status: criteria provided, single submitter. Criteria: ACMG Guidelines, 2015. Collection method: clinical testing. Allele origin: germline. Affected: no.

Labcorp Genetics (formerly Invitae), Labcorp
Classification: Pathogenic for Neurofibromatosis, type 1. Last evaluated: 2021-01-21. Review status: criteria provided, single submitter. Criteria: Invitae Variant Classification Sherloc (09022015). Collection method: clinical testing. Allele origin: germline.
Comment: This sequence change creates a premature translational stop signal (p.Gly2478Valfs*24) in the NF1 gene. It is expected to result in an absent or disrupted protein product. This variant is not present in population databases (ExAC no frequency). This variant has not been reported in the literature in individuals with NF1-related disease. Algorithms developed to predict the effect of sequence changes on RNA splicing suggest that this variant may create or strengthen a splice site, but this prediction has not been confirmed by published transcriptional studies. Loss-of-function variants in NF1 are known to be pathogenic (PMID: 10712197, 23913538). For these reasons, this variant has been classified as Pathogenic.

Ambry Genetics
Classification: Pathogenic for Cardiovascular phenotype; Hereditary cancer-predisposing syndrome. Last evaluated: 2017-01-16. Review status: criteria provided, single submitter. Criteria: Ambry Variant Classification Scheme 2023. Collection method: clinical testing. Allele origin: germline.
Comment: The c.7433delG pathogenic mutation, located in coding exon 50 of the NF1 gene, results from a deletion of one nucleotide at nucleotide position 7433, causing a translational frameshift with a predicted alternate stop codon (p.G2478Vfs*24). This alteration is expected to result in loss of function by premature protein truncation or nonsense-mediated mRNA decay. As such, this alteration is interpreted as a disease-causing mutation.

Literature cited by the submitters: PubMed 10712197 (cited by Labcorp Genetics (formerly Invitae), Labcorp); PubMed 23913538 (cited by Labcorp Genetics (formerly Invitae), Labcorp).